The following is an entry in ClinVar:

ClinVar aggregate classification (germline): Uncertain significance (1 of 4 stars; one submission).

Allele frequency attached by ClinVar (database versions not stated): gnomAD exomes 0.00001 and 0.00002; ExAC 0.00002; gnomAD 0.00002; TOPMed 0.00002; ESP Exome Variant Server 0.00008.
gnomAD v4.1: 26 of 1,614,070 alleles (0.0016%); highest among the groups gnomAD compares: Non-Finnish European, 0.0021%; no homozygotes.

Submission:

Labcorp Genetics (formerly Invitae), Labcorp
Classification: Uncertain significance. Last evaluated: 2025-04-07. Review status: criteria provided, single submitter. Criteria: Invitae Variant Classification Sherloc (09022015). Collection method: clinical testing. Allele origin: germline.
Comment: This sequence change replaces glutamic acid, which is acidic and polar, with lysine, which is basic and polar, at codon 280 of the KCNJ13 protein (p.Glu280Lys). This variant is present in population databases (rs370613677, gnomAD 0.003%). This variant has not been reported in the literature in individuals affected with KCNJ13-related conditions. ClinVar contains an entry for this variant (Variation ID: 1388941). Invitae Evidence Modeling of protein sequence and biophysical properties (such as structural, functional, and spatial information, amino acid conservation, physicochemical variation, residue mobility, and thermodynamic stability) indicates that this missense variant is not expected to disrupt KCNJ13 protein function with a negative predictive value of 80%. In summary, the available evidence is currently insufficient to determine the role of this variant in disease. Therefore, it has been classified as a Variant of Uncertain Significance.

NM_002242.4(KCNJ13):c.838G>A (p.Glu280Lys)

Genes: KCNJ13 (potassium inwardly rectifying channel subfamily J member 13; minus strand), GIGYF2 (GRB10 interacting GYF protein 2; plus strand). Cytogenetic location: 2q37.1.
Variant type: single nucleotide variant.
Coding change: c.838G>A on transcript NM_002242.4 (MANE Select); coding-DNA position 838, G replaced by A.
Protein change: p.Glu280Lys; replaces glutamic acid 280 with lysine.
Molecular consequence: missense variant. On other transcripts: 3 prime UTR variant (1), intron variant (4).
Genome position (GRCh38, 1-based): chr2:232,768,436, C>T on the plus strand (G>A on the coding strand, the complement: KCNJ13 is on the minus strand). VCF-style: chr2-232768436-C-T. GRCh37 (hg19) VCF-style: chr2-233633146-C-T.
Other names: c.*317G>A (NM_001172416.1); c.598G>A, p.Glu200Lys (NM_001172417.1); c.532+7000C>T (NM_001103146.3, NM_015575.4, NM_001103147.2 and 1 more transcripts); short protein forms E280K, E200K.
Identifiers: ClinVar variation 1388941 (VCV001388941.6), dbSNP rs370613677, ClinGen allele CA2169978.